The following is an entry in ClinVar:

NM_014009.4(FOXP3):c.1278C>A (p.Asn426Lys)

Gene: FOXP3 (forkhead box P3; minus strand). Cytogenetic location: Xp11.23.
Variant type: single nucleotide variant.
Coding change: c.1278C>A on transcript NM_014009.4 (MANE Select); coding-DNA position 1278, C replaced by A.
Protein change: p.Asn426Lys; replaces asparagine 426 with lysine.
Molecular consequence: missense variant.
Genome position (GRCh38, 1-based): chrX:49,251,352, G>T on the plus strand (C>A on the coding strand, the complement: FOXP3 is on the minus strand). VCF-style: chrX-49251352-G-T. GRCh37 (hg19) VCF-style: chrX-49107813-G-T.
Other names: c.1173C>A, p.Asn391Lys (NM_001114377.2); short protein forms N391K, N426K.
Identifiers: ClinVar variation 1170901 (VCV001170901.24), dbSNP rs369332983, ClinGen allele CA10411632.
Genomic context (GRCh38, chrX:49,251,352, plus strand): 5'-TTTGGCCCCTGTTCGTCCATCCTCCTTTCCTTGATCTTGAGGTCAGGGGCCAGGTGTAGG[G>T]TTGGAACACCTGCTGGGCCTCTGGCTCCGTTTCTTGCGGAACTCCAGCTCATCCACGGTC-3'
Protein context (NP_054728.2, residues 416-431): KRSQRPSRCS[Asn426Lys]PTPGP

ClinVar aggregate classification (germline): Benign/Likely benign. Review status: criteria provided, multiple submitters, no conflicts (2 of 4 stars). 3 submissions from 3 submitters: Benign (1); Likely benign (2). Last evaluated 2026-01-19.

Conditions:
Insulin-dependent diabetes mellitus secretory diarrhea syndrome (IPEX). Also called: X-Linked Autoimmunity-Allergic Dysregulation Syndrome; DIABETES MELLITUS, CONGENITAL INSULIN-DEPENDENT, WITH FATAL SECRETORY DIARRHEA; DIARRHEA, POLYENDOCRINOPATHY, FATAL INFECTION SYNDROME, X-LINKED; ENTEROPATHY, AUTOIMMUNE, WITH HEMOLYTIC ANEMIA AND POLYENDOCRINOPATHY; Immunodysregulation, polyendocrinopathy, and enteropathy, X-linked; IMMUNODEFICIENCY, POLYENDOCRINOPATHY, AND ENTEROPATHY, X-LINKED. Identifiers: Orphanet 37042, MedGen C0342288, MONDO:0010580, OMIM 304790. Disease mechanism: loss of function.

Allele frequency attached by ClinVar (database versions not stated): ExAC 0.00012; TOPMed 0.00016; gnomAD exomes 0.00017 and 0.00008; ESP Exome Variant Server 0.00019; gnomAD 0.00011.

Submissions (3):

Labcorp Genetics (formerly Invitae), Labcorp
Classification: Benign for Insulin-dependent diabetes mellitus secretory diarrhea syndrome. Last evaluated: 2026-01-19. Review status: criteria provided, single submitter. Criteria: Invitae Variant Classification Sherloc (09022015). Collection method: clinical testing. Allele origin: germline.

CeGaT Center for Human Genetics Tuebingen
Classification: Likely benign. Last evaluated: 2024-10-01. Review status: criteria provided, single submitter. Criteria: CeGaT Center For Human Genetics Tuebingen Variant Classification Criteria Version 2. Collection method: clinical testing. Allele origin: germline. Affected: yes. Observed: 1 variant allele.
Comment: FOXP3: BS2

Fulgent Genetics
Classification: Likely benign for Insulin-dependent diabetes mellitus secretory diarrhea syndrome. Last evaluated: 2021-09-10. Review status: criteria provided, single submitter. Criteria: ACMG Guidelines, 2015. Collection method: clinical testing. Allele origin: unknown.